The following is an entry in ClinVar:

NM_000940.3(PON3):c.9G>A (p.Lys3=)

Gene: PON3 (paraoxonase 3; minus strand). Cytogenetic location: 7q21.3.
Variant type: single nucleotide variant.
Coding change: c.9G>A on transcript NM_000940.3 (MANE Select); coding-DNA position 9, G replaced by A.
Protein change: p.Lys3=; no amino-acid change (lysine 3 retained).
Molecular consequence: synonymous variant.
Genome position (GRCh38, 1-based): chr7:95,396,342, C>T on the plus strand (G>A on the coding strand, the complement: PON3 is on the minus strand). VCF-style: chr7-95396342-C-T. GRCh37 (hg19) VCF-style: chr7-95025654-C-T.
Identifiers: ClinVar variation 3771494 (VCV003771494.13).

ClinVar aggregate classification (germline): Likely benign (1 of 4 stars; one submission).

gnomAD v4.1: 7 of 1,614,024 alleles (0.00043%); highest among the groups gnomAD compares: Non-Finnish European, 0.00059%; no homozygotes.

Submission:

CeGaT Center for Human Genetics Tuebingen
Classification: Likely benign. Last evaluated: 2025-01-01. Review status: criteria provided, single submitter. Criteria: CeGaT Center For Human Genetics Tuebingen Variant Classification Criteria Version 2. Collection method: clinical testing. Allele origin: germline. Affected: yes. Observed: 1 variant allele.
Comment: PON3: BP4, BP7